The following is an entry in ClinVar:

NM_032802.4(SPPL2A):c.65T>C (p.Leu22Pro)

Genes: SPPL2A (signal peptide peptidase like 2A; minus strand), LOC130057047 (ATAC-STARR-seq lymphoblastoid silent region 6430; plus strand). Cytogenetic location: 15q21.2.
Variant type: single nucleotide variant.
Coding change: c.65T>C on transcript NM_032802.4 (MANE Select); coding-DNA position 65, T replaced by C.
Protein change: p.Leu22Pro; replaces leucine 22 with proline.
Molecular consequence: missense variant.
Genome position (GRCh38, 1-based): chr15:50,765,469, A>G on the plus strand (T>C on the coding strand, the complement: SPPL2A is on the minus strand). VCF-style: chr15-50765469-A-G. GRCh37 (hg19) VCF-style: chr15-51057666-A-G.
Other names: short protein forms L22P.
Identifiers: ClinVar variation 2783999 (VCV002783999.3), dbSNP rs2542861089, ClinGen allele CA392462223.

ClinVar aggregate classification (germline): Uncertain significance (1 of 4 stars; one submission).

Submission:

Labcorp Genetics (formerly Invitae), Labcorp
Classification: Uncertain significance. Last evaluated: 2023-07-21. Review status: criteria provided, single submitter. Criteria: Invitae Variant Classification Sherloc (09022015). Collection method: clinical testing. Allele origin: germline.
Comment: This sequence change replaces leucine, which is neutral and non-polar, with proline, which is neutral and non-polar, at codon 22 of the SPPL2A protein (p.Leu22Pro). This variant is not present in population databases (gnomAD no frequency). This variant has not been reported in the literature in individuals affected with SPPL2A-related conditions. An algorithm developed to predict the effect of missense changes on protein structure and function (PolyPhen-2) suggests that this variant is likely to be tolerated. In summary, the available evidence is currently insufficient to determine the role of this variant in disease. Therefore, it has been classified as a Variant of Uncertain Significance.